The following is an entry in ClinVar:

ClinVar aggregate classification (germline): Uncertain significance. Review status: criteria provided, multiple submitters, no conflicts (2 of 4 stars). 2 submissions from 2 submitters: Uncertain significance (2). Last evaluated 2025-11-20.

Conditions:
Dyskeratosis congenita. Identifiers: Orphanet 1775, MedGen C0265965, MONDO:0015780.
Inborn genetic diseases. Identifiers: MedGen C0950123, MeSH D030342.

Submissions (2):

Ambry Genetics
Classification: Uncertain significance for Inborn genetic diseases. Last evaluated: 2025-11-20. Review status: criteria provided, single submitter. Criteria: Ambry Variant Classification Scheme 2023. Collection method: clinical testing. Allele origin: germline.

Labcorp Genetics (formerly Invitae), Labcorp
Classification: Uncertain significance for Dyskeratosis congenita. Last evaluated: 2023-09-01. Review status: criteria provided, single submitter. Criteria: Invitae Variant Classification Sherloc (09022015). Collection method: clinical testing. Allele origin: germline.
Comment: This variant has not been reported in the literature in individuals affected with CTC1-related conditions. In summary, the available evidence is currently insufficient to determine the role of this variant in disease. Therefore, it has been classified as a Variant of Uncertain Significance. Advanced modeling of protein sequence and biophysical properties (such as structural, functional, and spatial information, amino acid conservation, physicochemical variation, residue mobility, and thermodynamic stability) performed at Invitae indicates that this missense variant is expected to disrupt CTC1 protein function. This variant is not present in population databases (gnomAD no frequency). This sequence change replaces glycine, which is neutral and non-polar, with serine, which is neutral and polar, at codon 155 of the CTC1 protein (p.Gly155Ser).

NM_025099.6(CTC1):c.463G>A (p.Gly155Ser)

Gene: CTC1 (CST telomere replication complex component 1; minus strand). Cytogenetic location: 17p13.1.
Variant type: single nucleotide variant.
Coding change: c.463G>A on transcript NM_025099.6 (MANE Select); coding-DNA position 463, G replaced by A.
Protein change: p.Gly155Ser; replaces glycine 155 with serine.
Molecular consequence: missense variant. On other transcripts: non-coding transcript variant (1).
Genome position (GRCh38, 1-based): chr17:8,238,215, C>T on the plus strand (G>A on the coding strand, the complement: CTC1 is on the minus strand). VCF-style: chr17-8238215-C-T. GRCh37 (hg19) VCF-style: chr17-8141533-C-T.
Other names: c.463G>A (NM_025099.5); c.463G>A, p.Gly155Ser (NM_001411067.1); short protein forms G155S.
Identifiers: ClinVar variation 2879731 (VCV002879731.4), dbSNP rs2507948188, ClinGen allele CA397992884.